The following is an entry in ClinVar:

ClinVar aggregate classification (germline): Uncertain significance (1 of 4 stars; one submission).

Conditions:
Familial thoracic aortic aneurysm and aortic dissection (TAAD). Also called: Thoracic aortic aneurysms and dissections. Identifiers: Orphanet 91387, MedGen C4707243, MONDO:0019625.

Submission:

Color Diagnostics, LLC DBA Color Health
Classification: Uncertain significance for Familial thoracic aortic aneurysm and aortic dissection. Last evaluated: 2025-06-23. Review status: criteria provided, single submitter. Criteria: ACMG Guidelines, 2015. Collection method: clinical testing. Allele origin: germline.
Comment: This missense variant replaces asparagine with serine at codon 751 of the FBN1 protein. Computational prediction is inconclusive regarding the impact of this variant on protein structure and function. To our knowledge, functional studies have not been reported for this variant. This variant has not been reported in individuals affected with FBN1-related disorders in the literature. This variant has not been identified in the general population by the Genome Aggregation Database (gnomAD). The available evidence is insufficient to determine the role of this variant in disease conclusively. Therefore, this variant is classified as a Variant of Uncertain Significance.

NM_000138.5(FBN1):c.2252A>G (p.Asn751Ser)

Gene: FBN1 (fibrillin 1; minus strand). Cytogenetic location: 15q21.1.
Variant type: single nucleotide variant.
Coding change: c.2252A>G on transcript NM_000138.5 (MANE Select); coding-DNA position 2252, A replaced by G.
Protein change: p.Asn751Ser; replaces asparagine 751 with serine.
Molecular consequence: missense variant.
Genome position (GRCh38, 1-based): chr15:48,497,307, T>C on the plus strand (A>G on the coding strand, the complement: FBN1 is on the minus strand). VCF-style: chr15-48497307-T-C. GRCh37 (hg19) VCF-style: chr15-48789504-T-C.
Other names: c.2252A>G, p.Asn751Ser (NM_001406716.1); short protein forms N751S.
Identifiers: ClinVar variation 4757350 (VCV004757350.1).